The following is an entry in ClinVar:

GRCh37/hg19 2q14.2-14.3(chr2:121241775-126487783)x1

Genes: CLASP1 (cytoplasmic linker associated protein 1; minus strand), CNTNAP5 (contactin associated protein family member 5; plus strand), GLI2 (GLI family zinc finger 2; plus strand), NIFK (nucleolar protein interacting with the FHA domain of MKI67; minus strand), RNU4ATAC (RNA, U4atac small nuclear; plus strand) and 2 more. Cytogenetic location: 2q14.2-14.3.
Variant type: copy number loss.
Change: copy number 1 (one copy instead of two) of chr2:121,241,775-126,487,783 (5.25 Mb, GRCh37 coordinates, 1-based), cytogenetic band 2q14.2-14.3.
Identifiers: ClinVar variation 1808683 (VCV001808683.1).

ClinVar aggregate classification (germline): Pathogenic (1 of 4 stars; one submission).

Submission:

Quest Diagnostics Nichols Institute San Juan Capistrano
Classification: Pathogenic. Last evaluated: 2022-05-31. Review status: criteria provided, single submitter. Criteria: ACMG/ClinGen CNV Guidelines, 2019. Collection method: clinical testing. Allele origin: unknown.
Comment: This 5.2 Mb interstitial loss (deletion) of 2q14.2q14.3 is expected to cause phenotypic and/or developmental abnormalities. This deletion involves multiple genes, including the entire GLI2 gene (OMIM 165230). Haploinsufficiency of GLI2 gene is associated with autosomal dominant Culler-Jones syndrome (OMIM 615849) and holoprosencephaly 9 (OMIM 610829) (also refer to Growth Horm IGF Res. 2020 Feb;50:35-41. PMID: 31862539; Clin Case Rep. 2020 Aug 30;8(11):2138-2144. PMID: 33235745). Culler-Jones syndrome (CJS) is an autosomal dominant disorder characterized by hypopituitarism, mainly growth hormone deficiency, and/or postaxial polydactyly. The phenotype is highly variable, and some patients may have midline facial defects and developmental delay. Holoprosencephaly-9 refers to a disorder characterized by a wide phenotypic spectrum of brain developmental defects, with or without overt forebrain cleavage abnormalities. It usually includes midline craniofacial anomalies involving the first branchial arch and/or orbits, pituitary hypoplasia with panhypopituitarism, and postaxial polydactyly. Both disorders show incomplete penetrance and variable expressivity.